The following is an entry in ClinVar:

NM_001363.5(DKC1):c.494G>C (p.Gly165Ala)

Gene: DKC1 (dyskerin pseudouridine synthase 1; plus strand). Cytogenetic location: Xq28.
Variant type: single nucleotide variant.
Coding change: c.494G>C on transcript NM_001363.5 (MANE Select); coding-DNA position 494, G replaced by C.
Protein change: p.Gly165Ala; replaces glycine 165 with alanine.
Molecular consequence: missense variant. On other transcripts: non-coding transcript variant (3).
Genome position (GRCh38, 1-based): chrX:154,767,042, G>C. VCF-style: chrX-154767042-G-C. GRCh37 (hg19) VCF-style: chrX-153995317-G-C.
Other names: c.494G>C (NM_001363.3); c.494G>C, p.Gly165Ala (NM_001142463.3, NM_001288747.2); short protein forms G165A.
Identifiers: ClinVar variation 1366877 (VCV001366877.8), dbSNP rs782622660, ClinGen allele CA10567033.
Genomic context (GRCh38, chrX:154,767,042, plus strand): 5'-TTTGTCATTTTTCAGGCAAAGAGTATGTGGGGATTGTCCGGCTGCACAATGCTATTGAAG[G>C]GGGGACCCAGCTTTCTAGGGTAAGTCTGCAATTGTAGGGAGGACACCCTTTGTTGACTTG-3'
Protein context (NP_001354.1, residues 155-175): GIVRLHNAIE[Gly165Ala]GTQLSRALET

ClinVar aggregate classification (germline): Conflicting classifications of pathogenicity. Review status: criteria provided, conflicting classifications (1 of 4 stars). 2 submissions from 2 submitters: Uncertain significance (1); Likely benign (1). Last evaluated 2026-07-02.

Conditions:
Dyskeratosis congenita. Identifiers: Orphanet 1775, MedGen C0265965, MONDO:0015780.

Allele frequency attached by ClinVar (database versions not stated): gnomAD exomes 0.00001; gnomAD 0.00005 and 0.00007; ExAC 0.00001; TOPMed 0.00005.
gnomAD v4.1: 16 of 1,209,454 alleles (0.0013%); highest among the groups gnomAD compares: African/African-American, 0.018%; no homozygotes.

Submissions (2):

Ambry Genetics
Classification: Uncertain significance for Dyskeratosis congenita. Last evaluated: 2026-07-02. Review status: criteria provided, single submitter. Criteria: Ambry Variant Classification Scheme 2023. Collection method: clinical testing. Allele origin: germline.
Comment: The p.G165A variant (also known as c.494G>C), located in coding exon 6 of the DKC1 gene, results from a G to C substitution at nucleotide position 494. The glycine at codon 165 is replaced by alanine, an amino acid with similar properties. This amino acid position is conserved. In addition, this alteration is predicted to be tolerated by in silico analysis. Based on the available evidence, the clinical significance of this variant remains unclear.

Labcorp Genetics (formerly Invitae), Labcorp
Classification: Likely benign for Dyskeratosis congenita. Last evaluated: 2024-05-06. Review status: criteria provided, single submitter. Criteria: Invitae Variant Classification Sherloc (09022015). Collection method: clinical testing. Allele origin: germline.